The following is an entry in ClinVar:

NM_001042492.3(NF1):c.*879del

Gene: NF1 (neurofibromin 1; plus strand). Cytogenetic location: 17q11.2.
Variant type: Deletion.
Coding change: c.*879del on transcript NM_001042492.3 (MANE Select); 879 bases downstream of the stop codon, one base deleted (T; older notation c.*879delT).
Molecular consequence: 3 prime UTR variant.
Genome position (GRCh38, 1-based): chr17:31,375,034, T deleted; the last of 6 consecutive T bases (chr17:31,375,029-31,375,034); deleting any one gives the same sequence. VCF-style (leftmost placement, unchanged base first): chr17-31375028-AT-A. GRCh37 (hg19) VCF-style: chr17-29702046-AT-A.
Other names: c.*879delT (NM_000267.4).
Identifiers: ClinVar variation 2647642 (VCV002647642.24), dbSNP rs558636964, ClinGen allele CA289712591.

ClinVar aggregate classification (germline): Benign (1 of 4 stars; one submission).

Submission:

CeGaT Center for Human Genetics Tuebingen
Classification: Benign. Last evaluated: 2022-09-01. Review status: criteria provided, single submitter. Criteria: CeGaT Center For Human Genetics Tuebingen Variant Classification Criteria Version 2. Collection method: clinical testing. Allele origin: germline. Affected: yes. Observed: 1 variant allele.
Comment: NF1: BS1, BS2